The following is an entry in ClinVar:

NM_000059.4(BRCA2):c.9075dup (p.Gln3026fs)

Gene: BRCA2 (BRCA2 DNA repair associated; plus strand). Cytogenetic location: 13q13.1.
Variant type: Duplication.
Coding change: c.9075dup on transcript NM_000059.4 (MANE Select); coding-DNA position 9075, one base duplicated (A; older notation c.9075dupA).
Protein change: p.Gln3026fs; shifts the reading frame from glutamine 3026.
Molecular consequence: frameshift variant.
Genome position (GRCh38, 1-based): chr13:32,379,871, A duplicated. VCF-style (leftmost placement, unchanged base first): chr13-32379870-T-TA. GRCh37 (hg19) VCF-style: chr13-32954007-T-TA.
Other names: c.9075dupA (NM_000059.3); short protein forms Q3026fs.
Identifiers: ClinVar variation 950961 (VCV000950961.11), dbSNP rs2072910192, ClinGen allele CA1139663159.
Genomic context (GRCh38, chr13:32,379,870, plus strand): 5'-GATACAGAATTTATCATCTTGCAACTTCAAAATCTAAAAGTAAATCTGAAAGAGCTAACA[T>TA]ACAGTTAGCAGCGACAAAAAAAACTCAGTATCAACAACTACCGGTACAAACCTTTCATTG-3'

ClinVar aggregate classification (germline): Pathogenic/Likely pathogenic. Review status: criteria provided, multiple submitters, no conflicts (2 of 4 stars). 3 submissions from 3 submitters: Pathogenic (2); Likely pathogenic (1). Last evaluated 2024-08-19.

Conditions:
Hereditary breast ovarian cancer syndrome. Also called: Hereditary breast and ovarian cancer; Hereditary breast and/or ovarian cancer syndrome; Hereditary breast and ovarian cancer syndrome; Hereditary breast and ovarian cancer syndrome (HBOC); BRCA1- and BRCA2-Associated Hereditary Breast and Ovarian Cancer; Breast and ovarian cancer. Identifiers: Orphanet 145, MedGen C0677776, MeSH D061325, MONDO:0003582. Disease mechanism: loss of function.
Hereditary cancer-predisposing syndrome. Also called: Tumor predisposition; Hereditary neoplastic syndrome; Neoplastic Syndromes, Hereditary; Hereditary Cancer Syndrome. Identifiers: Orphanet 140162, MedGen C0027672, MeSH D009386, MONDO:0015356.

Submissions (3):

Ambry Genetics
Classification: Pathogenic for Hereditary cancer-predisposing syndrome. Last evaluated: 2024-08-19. Review status: criteria provided, single submitter. Criteria: Ambry Variant Classification Scheme 2023. Collection method: clinical testing. Allele origin: germline.
Comment: The c.9075dupA pathogenic mutation, located in coding exon 22 of the BRCA2 gene, results from a duplication of A at nucleotide position 9075, causing a translational frameshift with a predicted alternate stop codon (p.Q3026Tfs*18). This variant is considered to be rare based on population cohorts in the Genome Aggregation Database (gnomAD). This alteration is expected to result in loss of function by premature protein truncation or nonsense-mediated mRNA decay. As such, this alteration is interpreted as a disease-causing mutation.

Institute for Genomic Medicine (IGM) Clinical Laboratory, Nationwide Children's Hospital
Classification: Likely pathogenic for Hereditary cancer-predisposing syndrome. Last evaluated: 2023-12-08. Review status: criteria provided, single submitter. Criteria: ACMG Guidelines, 2015. Collection method: clinical testing. Allele origin: germline.
Comment: This variant is predicted to result in loss of function through nonsense-mediated decay of the encoded transcript or premature truncation of the encoded protein in a gene in which loss of function is a known mechanism of disease (ACMG/AMP: PVS1; PMIDs:29907814, 30078507, 30606148, 31331294). This variant is absent from or present at an exceedingly low frequency in gnomAD, a large-scale control population database (ACMG/AMP: PM2).

Labcorp Genetics (formerly Invitae), Labcorp
Classification: Pathogenic for Hereditary breast ovarian cancer syndrome. Last evaluated: 2019-08-07. Review status: criteria provided, single submitter. Criteria: Invitae Variant Classification Sherloc (09022015). Collection method: clinical testing. Allele origin: germline.
Comment: For these reasons, this variant has been classified as Pathogenic. Loss-of-function variants in BRCA2 are known to be pathogenic (PMID: 20104584). This variant has not been reported in the literature in individuals with BRCA2-related conditions. This variant is not present in population databases (ExAC no frequency). This sequence change creates a premature translational stop signal (p.Gln3026Thrfs*18) in the BRCA2 gene. It is expected to result in an absent or disrupted protein product.

Literature cited by the submitters: PubMed 29907814 (cited by Institute for Genomic Medicine (IGM) Clinical Laboratory, Nationwide Children's Hospital); PubMed 30078507 (cited by Institute for Genomic Medicine (IGM) Clinical Laboratory, Nationwide Children's Hospital); PubMed 30606148 (cited by Institute for Genomic Medicine (IGM) Clinical Laboratory, Nationwide Children's Hospital); PubMed 31331294 (cited by Institute for Genomic Medicine (IGM) Clinical Laboratory, Nationwide Children's Hospital); PubMed 20104584 (cited by Labcorp Genetics (formerly Invitae), Labcorp).